The following is an entry in ClinVar:

ClinVar aggregate classification (germline): Uncertain significance (1 of 4 stars; one submission).

Conditions:
Hereditary cancer-predisposing syndrome. Also called: Neoplastic Syndromes, Hereditary; Tumor predisposition; Hereditary Cancer Syndrome; Hereditary neoplastic syndrome. Identifiers: Orphanet 140162, MedGen C0027672, MeSH D009386, MONDO:0015356.

Submission:

Ambry Genetics
Classification: Uncertain significance for Hereditary cancer-predisposing syndrome. Last evaluated: 2026-03-28. Review status: criteria provided, single submitter. Criteria: Ambry Variant Classification Scheme 2023. Collection method: clinical testing. Allele origin: germline.
Comment: The p.M85T variant (also known as c.254T>C), located in coding exon 2 of the TMEM127 gene, results from a T to C substitution at nucleotide position 254. The methionine at codon 85 is replaced by threonine, an amino acid with similar properties. This amino acid position is conserved. In addition, the in silico prediction for this alteration is inconclusive. Based on the available evidence, the clinical significance of this variant remains unclear.

NM_017849.4(TMEM127):c.254T>C (p.Met85Thr)

Gene: TMEM127 (transmembrane protein 127; minus strand). Cytogenetic location: 2q11.2.
Variant type: single nucleotide variant.
Coding change: c.254T>C on transcript NM_017849.4 (MANE Select); coding-DNA position 254, T replaced by C.
Protein change: p.Met85Thr; replaces methionine 85 with threonine.
Molecular consequence: missense variant. On other transcripts: initiator codon variant (2).
Genome position (GRCh38, 1-based): chr2:96,254,988, A>G on the plus strand (T>C on the coding strand, the complement: TMEM127 is on the minus strand). VCF-style: chr2-96254988-A-G. GRCh37 (hg19) VCF-style: chr2-96920726-A-G.
Other names: c.254T>C, p.Met85Thr (NM_001193304.3); c.2T>C, p.Met1Thr (NM_001407282.1, NM_001407283.1); short protein forms M1T, M85T.
Identifiers: ClinVar variation 4865720 (VCV004865720.1).